The following is an entry in ClinVar:

ClinVar aggregate classification (germline): Uncertain significance (1 of 4 stars; one submission).

Conditions:
Dilated cardiomyopathy 1KK (CMD1KK). Identifiers: Orphanet 154, Orphanet 75249, MedGen C3714995, MONDO:0014100, OMIM 615248.

Allele frequency attached by ClinVar (database versions not stated): gnomAD exomes below 0.00001.
gnomAD v4.1: 1 of 1,614,186 alleles (0.000062%); highest among the groups gnomAD compares: Admixed American, 0.0017%; no homozygotes.

Submission:

Labcorp Genetics (formerly Invitae), Labcorp
Classification: Uncertain significance for Dilated cardiomyopathy 1KK. Last evaluated: 2023-06-23. Review status: criteria provided, single submitter. Criteria: Invitae Variant Classification Sherloc (09022015). Collection method: clinical testing. Allele origin: germline.
Comment: This sequence change replaces threonine, which is neutral and polar, with alanine, which is neutral and non-polar, at codon 939 of the MYPN protein (p.Thr939Ala). This variant is present in population databases (no rsID available, gnomAD 0.003%). This variant has not been reported in the literature in individuals affected with MYPN-related conditions. An algorithm developed to predict the effect of missense changes on protein structure and function (PolyPhen-2) suggests that this variant is likely to be tolerated. In summary, the available evidence is currently insufficient to determine the role of this variant in disease. Therefore, it has been classified as a Variant of Uncertain Significance.

NM_032578.4(MYPN):c.2815A>G (p.Thr939Ala)

Gene: MYPN (myopalladin; plus strand). Cytogenetic location: 10q21.3.
Variant type: single nucleotide variant.
Coding change: c.2815A>G on transcript NM_032578.4 (MANE Select); coding-DNA position 2815, A replaced by G.
Protein change: p.Thr939Ala; replaces threonine 939 with alanine.
Molecular consequence: missense variant. On other transcripts: non-coding transcript variant (2).
Genome position (GRCh38, 1-based): chr10:68,189,016, A>G. VCF-style: chr10-68189016-A-G. GRCh37 (hg19) VCF-style: chr10-69948773-A-G.
Other names: c.2815A>G, p.Thr939Ala (NM_001256267.2); c.1933A>G, p.Thr645Ala (NM_001256268.2); short protein forms T939A, T645A.
Identifiers: ClinVar variation 2816588 (VCV002816588.3), dbSNP rs1471081568, ClinGen allele CA376853590.